The following is an entry in ClinVar:

NM_000393.5(COL5A2):c.2715+237A>T

Gene: COL5A2 (collagen type V alpha 2 chain; minus strand). Cytogenetic location: 2q32.2.
Variant type: single nucleotide variant.
Coding change: c.2715+237A>T on transcript NM_000393.5 (MANE Select); 237 bases into the intron after coding-DNA position 2715, A replaced by T.
Molecular consequence: intron variant.
Genome position (GRCh38, 1-based): chr2:189,052,512, T>A on the plus strand (A>T on the coding strand, the complement: COL5A2 is on the minus strand). VCF-style: chr2-189052512-T-A. GRCh37 (hg19) VCF-style: chr2-189917238-T-A.
Identifiers: ClinVar variation 679171 (VCV000679171.1), dbSNP rs62184179, ClinGen allele CA62596630.

ClinVar aggregate classification (germline): Benign (1 of 4 stars; one submission).

Allele frequency attached by ClinVar (database versions not stated): 1000 Genomes Project 30x 0.63616; 1000 Genomes Project 0.64018; TOPMed 0.69123; gnomAD 0.70698 and 0.70807.
gnomAD v4.1: 107,208 of 151,320 alleles (71%); highest among the groups gnomAD compares: Non-Finnish European, 81%; 38,997 homozygotes.

Submission:

GeneDx
Classification: Benign. Last evaluated: 2018-06-14. Review status: criteria provided, single submitter. Criteria: GeneDx Variant Classification (06012015). Collection method: clinical testing. Allele origin: germline. Affected: yes.
Comment: This variant is considered likely benign or benign based on one or more of the following criteria: it is a conservative change, it occurs at a poorly conserved position in the protein, it is predicted to be benign by multiple in silico algorithms, and/or has population frequency not consistent with disease.